The following is an entry in ClinVar:

NM_000631.5(NCF4):c.758+12G>C

Gene: NCF4 (neutrophil cytosolic factor 4; plus strand). Cytogenetic location: 22q12.3.
Variant type: single nucleotide variant.
Coding change: c.758+12G>C on transcript NM_000631.5 (MANE Select); 12 bases into the intron after coding-DNA position 758, G replaced by C.
Molecular consequence: intron variant. On other transcripts: missense variant (1).
Genome position (GRCh38, 1-based): chr22:36,875,795, G>C. VCF-style: chr22-36875795-G-C. GRCh37 (hg19) VCF-style: chr22-37271837-G-C.
Other names: c.770G>C, p.Trp257Ser (NM_013416.4); short protein forms W257S.
Identifiers: ClinVar variation 853742 (VCV000853742.10), dbSNP rs756196818, ClinGen allele CA10213158.

ClinVar aggregate classification (germline): Uncertain significance (1 of 4 stars; one submission).

Conditions:
Granulomatous disease, chronic, autosomal recessive, cytochrome b-positive, type 3. Also called: CGD, AUTOSOMAL RECESSIVE CYTOCHROME b-POSITIVE, TYPE III; GRANULOMATOUS DISEASE, CHRONIC, AUTOSOMAL RECESSIVE, 3; GRANULOMATOUS DISEASE, CHRONIC, DUE TO NCF4 DEFICIENCY; Granulomatous disease, chronic, autosomal recessive, cytochrome b-positive, type III. Identifiers: Orphanet 379, MedGen C3151409, MONDO:0013507, OMIM 613960.

Allele frequency attached by ClinVar (database versions not stated): gnomAD exomes below 0.00001; ExAC 0.00001.
gnomAD v4.1: 3 of 1,614,142 alleles (0.00019%); highest among the groups gnomAD compares: Non-Finnish European, 0.00025%; no homozygotes.

Submission:

Labcorp Genetics (formerly Invitae), Labcorp
Classification: Uncertain significance for Granulomatous disease, chronic, autosomal recessive, cytochrome b-positive, type 3. Last evaluated: 2019-03-16. Review status: criteria provided, single submitter. Criteria: Invitae Variant Classification Sherloc (09022015). Collection method: clinical testing. Allele origin: germline.
Comment: This variant has not been reported in the literature in individuals with NCF4-related conditions. This variant is present in population databases (rs756196818, ExAC 0.001%). This sequence change replaces tryptophan with serine at codon 257 of the NCF4 protein (p.Trp257Ser). The tryptophan residue is weakly conserved and there is a large physicochemical difference between tryptophan and serine. In summary, the available evidence is currently insufficient to determine the role of this variant in disease. Therefore, it has been classified as a Variant of Uncertain Significance. Algorithms developed to predict the effect of missense changes on protein structure and function are either unavailable or do not agree on the potential impact of this missense change (SIFT: "Deleterious"; PolyPhen-2: "Benign"; Align-GVGD: "Class C0").